The following is an entry in ClinVar:

ClinVar aggregate classification (germline): Uncertain significance. Review status: criteria provided, multiple submitters, no conflicts (2 of 4 stars). 3 submissions from 3 submitters: Uncertain significance (3). Last evaluated 2025-06-03.

Conditions:
Arrhythmogenic right ventricular cardiomyopathy (ARVD). Also called: Arrhythmogenic right ventricular dysplasia; Cardiomyopathy, ARVC; Arrhythmogenic cardiomyopathy; Arrhythmogenic Right Ventricular Cardiomyopathy (ARVC). Identifiers: Orphanet 247, MedGen C0349788, MeSH D019571, MONDO:0016587. Disease mechanism: loss of function. Inheritance: Various modes of inheritance.
Arrhythmogenic right ventricular dysplasia 10. Also called: ARRHYTHMOGENIC RIGHT VENTRICULAR DYSPLASIA, FAMILIAL, 10; Arrhythmogenic Right Ventricular Dysplasia/Cardiomyopathy10; Arrhythmogenic right ventricular dysplasia/cardiomyopathy, type 10. Identifiers: MedGen C1857777, MONDO:0012434, OMIM 610193.
Cardiomyopathy (CMYO). Also called: Cardiomyopathies. Identifiers: Orphanet 167848, MedGen C0878544, MONDO:0004994, HP:0001638. Inheritance: Various modes of inheritance.

Allele frequency attached by ClinVar (database versions not stated): TOPMed below 0.00001; gnomAD 0.00001; gnomAD exomes 0.00001.
gnomAD v4.1: 13 of 1,613,358 alleles (0.00081%); highest among the groups gnomAD compares: Non-Finnish European, 0.0011%; no homozygotes.

Submissions (3):

Color Diagnostics, LLC DBA Color Health
Classification: Uncertain significance for Cardiomyopathy. Last evaluated: 2025-06-03. Review status: criteria provided, single submitter. Criteria: ACMG Guidelines, 2015. Collection method: clinical testing. Allele origin: germline.
Comment: This missense variant replaces proline with arginine at codon 123 of the DSG2 protein. Computational prediction suggests that this variant may not impact protein structure and function. To our knowledge, functional studies have not been reported for this variant. This variant has not been reported in individuals affected with DSG2-related disorders in the literature. This variant has been identified in 1/248140 chromosomes in the general population by the Genome Aggregation Database (gnomAD). The available evidence is insufficient to determine the role of this variant in disease conclusively. Therefore, this variant is classified as a Variant of Uncertain Significance.

Labcorp Genetics (formerly Invitae), Labcorp
Classification: Uncertain significance for Arrhythmogenic right ventricular dysplasia 10. Last evaluated: 2024-06-25. Review status: criteria provided, single submitter. Criteria: Invitae Variant Classification Sherloc (09022015). Collection method: clinical testing. Allele origin: germline.
Comment: This sequence change replaces proline, which is neutral and non-polar, with arginine, which is basic and polar, at codon 123 of the DSG2 protein (p.Pro123Arg). The frequency data for this variant in the population databases is considered unreliable, as metrics indicate poor data quality at this position in the gnomAD database. This variant has not been reported in the literature in individuals affected with DSG2-related conditions. Advanced modeling of protein sequence and biophysical properties (such as structural, functional, and spatial information, amino acid conservation, physicochemical variation, residue mobility, and thermodynamic stability) has been performed at Invitae for this missense variant, however the output from this modeling did not meet the statistical confidence thresholds required to predict the impact of this variant on DSG2 protein function. In summary, the available evidence is currently insufficient to determine the role of this variant in disease. Therefore, it has been classified as a Variant of Uncertain Significance.

All of Us Research Program, National Institutes of Health
Classification: Uncertain significance for Arrhythmogenic right ventricular cardiomyopathy. Last evaluated: 2023-08-15. Review status: criteria provided, single submitter. Criteria: ACMG Guidelines, 2015. Collection method: clinical testing. Allele origin: germline. Inheritance: Autosomal dominant inheritance. Observed: 2 variant alleles, 2 heterozygotes.
Comment: This study involves interpretation of variants in research participants for the purpose of population health screening. Participant phenotype was not available at the time of variant classification. Additional details can be found in publication PMID: 35346344, PMCID: PMC8962531

NM_001943.5(DSG2):c.368C>G (p.Pro123Arg)

Gene: DSG2 (desmoglein 2; plus strand). Cytogenetic location: 18q12.1.
Variant type: single nucleotide variant.
Coding change: c.368C>G on transcript NM_001943.5 (MANE Select); coding-DNA position 368, C replaced by G.
Protein change: p.Pro123Arg; replaces proline 123 with arginine.
Molecular consequence: missense variant.
Genome position (GRCh38, 1-based): chr18:31,520,954, C>G. VCF-style: chr18-31520954-C-G. GRCh37 (hg19) VCF-style: chr18-29100917-C-G.
Other names: short protein forms P123R.
Identifiers: ClinVar variation 3072619 (VCV003072619.4), dbSNP rs1246035638, ClinGen allele CA402131687.
Genomic context (GRCh38, chr18:31,520,954, plus strand): 5'-TCTTTAACAAAGATACTGGAGAACTGAATGTTACCAGCATTCTTGATCGAGAAGAAACAC[C>G]ATTTTTTCTGGTAAGAAGAATAATTTTAGATTTATTAGTTTGTAGTTTTTCTGTCATAAT-3'
Protein context (NP_001934.2, residues 113-133): VTSILDREET[Pro123Arg]FFLLTGYALD